The following is an entry in ClinVar:

ClinVar aggregate classification (germline): Pathogenic (1 of 4 stars; one submission).

Conditions:
Frasier syndrome. Identifiers: Orphanet 347, MedGen C0950122, MeSH D052159, MONDO:0007635, OMIM 136680.
Drash syndrome (DDS). Also called: NEPHROPATHY, WILMS TUMOR, AND GENITAL ANOMALIES; WILMS TUMOR AND PSEUDO- OR TRUE HERMAPHRODITISM. Identifiers: Orphanet 220, MedGen C0950121, MONDO:0008682, OMIM 194080.
Wilms tumor 1 (WT1). Also called: Wilms tumor, somatic. Identifiers: Orphanet 654, MedGen CN033288, MONDO:0008679, OMIM 194070.
11p partial monosomy syndrome (WAGR). Also called: WAGR syndrome; WAGR Complex; CHROMOSOME 11p13 DELETION SYNDROME; WAGR Spectrum Disorder. Identifiers: Orphanet 893, MedGen C0206115, MONDO:0008681, OMIM 194072.

Submission:

Labcorp Genetics (formerly Invitae), Labcorp
Classification: Pathogenic for Wilms tumor 1; Drash syndrome; 11p partial monosomy syndrome; Frasier syndrome. Last evaluated: 2018-05-15. Review status: criteria provided, single submitter. Criteria: Invitae Variant Classification Sherloc (09022015). Collection method: clinical testing. Allele origin: germline.
Comment: For these reasons, this variant has been classified as Pathogenic. Loss-of-function variants in WT1 are known to be pathogenic (PMID: 15150775). This variant has not been reported in the literature in individuals with WT1-related disease. This variant is not present in population databases (ExAC no frequency). This sequence change creates a premature translational stop signal (p.Arg213Profs*73) in the WT1 gene. It is expected to result in an absent or disrupted protein product.

Literature cited by the submitters: PubMed 15150775.

NM_024426.6(WT1):c.653del (p.Arg218fs)

Genes: WT1 (WT1 transcription factor; minus strand), LOC107982234 (WT1/WT1-AS bi-directional promoter region; plus strand). Cytogenetic location: 11p13.
Variant type: Deletion.
Coding change: c.653del on transcript NM_024426.6 (MANE Select); coding-DNA position 653, one base deleted (G; older notation c.653delG).
Protein change: p.Arg218fs; shifts the reading frame from arginine 218.
Molecular consequence: frameshift variant. On other transcripts: non-coding transcript variant (1).
Genome position (GRCh38, 1-based): chr11:32,434,708, C deleted on the plus strand (G on the coding strand, the reverse complement: WT1 is on the minus strand). VCF-style (leftmost placement, unchanged base first): chr11-32434707-GC-G. GRCh37 (hg19) VCF-style: chr11-32456253-GC-G.
Other names: c.653del, p.Arg218fs (NM_000378.6, NM_024424.5); short protein forms R218fs.
Identifiers: ClinVar variation 571628 (VCV000571628.7), dbSNP rs1565000973, ClinGen allele CA891843133.